The following is an entry in ClinVar:

ClinVar aggregate classification (germline): Uncertain significance. Review status: criteria provided, multiple submitters, no conflicts (2 of 4 stars). 2 submissions from 2 submitters: Uncertain significance (2). Last evaluated 2025-04-06.

Conditions:
Neuroblastoma, susceptibility to, 3. Also called: ALK-Related Neuroblastic Tumor Susceptibility. Identifiers: Orphanet 635, MedGen C2751681, MONDO:0013083, OMIM 613014.
Hereditary cancer-predisposing syndrome. Also called: Hereditary neoplastic syndrome; Tumor predisposition; Neoplastic Syndromes, Hereditary; Hereditary Cancer Syndrome. Identifiers: Orphanet 140162, MedGen C0027672, MeSH D009386, MONDO:0015356.

Allele frequency attached by ClinVar (database versions not stated): gnomAD exomes below 0.00001.
gnomAD v4.1: 4 of 1,210,318 alleles (0.00033%); highest among the groups gnomAD compares: African/African-American, 0.0051%; no homozygotes.

Submissions (2):

Ambry Genetics
Classification: Uncertain significance for Hereditary cancer-predisposing syndrome. Last evaluated: 2025-04-06. Review status: criteria provided, single submitter. Criteria: Ambry Variant Classification Scheme 2023. Collection method: clinical testing. Allele origin: germline.
Comment: The p.K911R variant (also known as c.2732A>G), located in coding exon 16 of the ALK gene, results from an A to G substitution at nucleotide position 2732. The lysine at codon 911 is replaced by arginine, an amino acid with highly similar properties. This amino acid position is conserved. In addition, this alteration is predicted to be tolerated by in silico analysis. Based on the available evidence, the clinical significance of this variant remains unclear.

Labcorp Genetics (formerly Invitae), Labcorp
Classification: Uncertain significance for Neuroblastoma, susceptibility to, 3. Last evaluated: 2023-04-06. Review status: criteria provided, single submitter. Criteria: Invitae Variant Classification Sherloc (09022015). Collection method: clinical testing. Allele origin: germline.
Comment: This sequence change replaces lysine, which is basic and polar, with arginine, which is basic and polar, at codon 911 of the ALK protein (p.Lys911Arg). This variant is not present in population databases (gnomAD no frequency). This variant has not been reported in the literature in individuals affected with ALK-related conditions. ClinVar contains an entry for this variant (Variation ID: 856471). An algorithm developed to predict the effect of missense changes on protein structure and function (PolyPhen-2) suggests that this variant is likely to be disruptive. Algorithms developed to predict the effect of sequence changes on RNA splicing suggest that this variant may disrupt the consensus splice site. In summary, the available evidence is currently insufficient to determine the role of this variant in disease. Therefore, it has been classified as a Variant of Uncertain Significance.

NM_004304.5(ALK):c.2732A>G (p.Lys911Arg)

Gene: ALK (ALK receptor tyrosine kinase; minus strand). Cytogenetic location: 2p23.2.
Variant type: single nucleotide variant.
Coding change: c.2732A>G on transcript NM_004304.5 (MANE Select); coding-DNA position 2732, A replaced by G.
Protein change: p.Lys911Arg; replaces lysine 911 with arginine.
Molecular consequence: missense variant.
Genome position (GRCh38, 1-based): chr2:29,228,967, T>C on the plus strand (A>G on the coding strand, the complement: ALK is on the minus strand). VCF-style: chr2-29228967-T-C. GRCh37 (hg19) VCF-style: chr2-29451833-T-C.
Other names: short protein forms K911R.
Identifiers: ClinVar variation 856471 (VCV000856471.10), dbSNP rs1664101463, ClinGen allele CA346469784.